The following is an entry in ClinVar:

NM_001776.6(ENTPD1):c.1223A>G (p.Tyr408Cys)

Genes: ENTPD1 (ectonucleoside triphosphate diphosphohydrolase 1; plus strand), ENTPD1-AS1 (ENTPD1 antisense RNA 1; minus strand). Cytogenetic location: 10q24.1.
Variant type: single nucleotide variant.
Coding change: c.1223A>G on transcript NM_001776.6 (MANE Select); coding-DNA position 1223, A replaced by G.
Protein change: p.Tyr408Cys; replaces tyrosine 408 with cysteine.
Molecular consequence: missense variant.
Genome position (GRCh38, 1-based): chr10:95,864,758, A>G. VCF-style: chr10-95864758-A-G. GRCh37 (hg19) VCF-style: chr10-97624515-A-G.
Other names: c.1244A>G, p.Tyr415Cys (NM_001098175.2); c.1259A>G, p.Tyr420Cys (NM_001164178.1, NM_001320916.1); c.1100A>G, p.Tyr367Cys (NM_001164179.2); c.899A>G, p.Tyr300Cys (NM_001164181.1, NM_001312654.1); c.809A>G, p.Tyr270Cys (NM_001164182.2, NM_001164183.2); short protein forms Y270C, Y300C, Y367C, Y408C, Y415C, Y420C.
Identifiers: ClinVar variation 3773890 (VCV003773890.1).

ClinVar aggregate classification (germline): Uncertain significance (1 of 4 stars; one submission).

gnomAD v4.1: 5 of 1,614,146 alleles (0.00031%); highest among the groups gnomAD compares: Admixed American, 0.0033%; no homozygotes.

Submission:

GeneDx
Classification: Uncertain significance. Last evaluated: 2024-09-21. Review status: criteria provided, single submitter. Criteria: GeneDx Variant Classification Process June 2021. Collection method: clinical testing. Allele origin: germline. Affected: yes.
Comment: Not observed at significant frequency in large population cohorts (gnomAD); In silico analysis supports that this missense variant has a deleterious effect on protein structure/function; Has not been previously published as pathogenic or benign to our knowledge